The following is an entry in ClinVar:

NM_014233.4(UBTF):c.1953+3G>A

Genes: ATXN7L3-AS1 (ATXN7L3 antisense RNA 1; plus strand), UBTF (upstream binding transcription factor; minus strand). Cytogenetic location: 17q21.31.
Variant type: single nucleotide variant.
Coding change: c.1953+3G>A on transcript NM_014233.4 (MANE Select); 3 bases into the intron after coding-DNA position 1953, G replaced by A.
Molecular consequence: intron variant.
Genome position (GRCh38, 1-based): chr17:44,207,861, C>T on the plus strand (G>A on the coding strand, the complement: UBTF is on the minus strand). VCF-style: chr17-44207861-C-T. GRCh37 (hg19) VCF-style: chr17-42285229-C-T.
Other names: c.1842+3G>A (NM_001076683.2, NM_001076684.3).
Identifiers: ClinVar variation 2647823 (VCV002647823.25), dbSNP rs201459469, ClinGen allele CA8599318.
Genomic context (GRCh38, chr17:44,207,861, plus strand): 5'-ATGAGTTCGACACCCCTGAATTCCCCCACCCCTACCCCACTGCTGCTCTGCTCCCAGACT[C>T]ACATTGGAGATGTACTCTTTATATGCTGCACGGTCCTGGGGAGACAGGCTCTGGGGGAGA-3'

ClinVar aggregate classification (germline): Likely benign. Review status: criteria provided, multiple submitters, no conflicts (2 of 4 stars). 2 submissions from 2 submitters: Likely benign (2). Last evaluated 2024-11-11.

Allele frequency attached by ClinVar (database versions not stated): 1000 Genomes Project 0.00060; 1000 Genomes Project 30x 0.00062; ESP Exome Variant Server 0.00138; TOPMed 0.00138; gnomAD 0.00139; ExAC 0.00157; gnomAD exomes 0.00231.
gnomAD v4.1: 3,548 of 1,614,064 alleles (0.22%); highest among the groups gnomAD compares: Non-Finnish European, 0.26%; 7 homozygotes.

Submissions (2):

Blueprint Genetics
Classification: Likely benign. Last evaluated: 2024-11-11. Review status: criteria provided, single submitter. Criteria: ACMG Guidelines, 2015. Collection method: clinical testing. Allele origin: germline.

CeGaT Center for Human Genetics Tuebingen
Classification: Likely benign. Last evaluated: 2024-05-01. Review status: criteria provided, single submitter. Criteria: CeGaT Center For Human Genetics Tuebingen Variant Classification Criteria Version 2. Collection method: clinical testing. Allele origin: germline. Affected: yes. Observed: 3 variant alleles.
Comment: UBTF: BP4, BS1